The following is an entry in ClinVar:

NM_015110.4(SMC5):c.58C>G (p.Leu20Val)

Genes: SMC5 (structural maintenance of chromosomes 5; plus strand), LOC130001875 (ATAC-STARR-seq lymphoblastoid active region 28450; plus strand). Cytogenetic location: 9q21.12.
Variant type: single nucleotide variant.
Coding change: c.58C>G on transcript NM_015110.4 (MANE Select); coding-DNA position 58, C replaced by G.
Protein change: p.Leu20Val; replaces leucine 20 with valine.
Molecular consequence: missense variant.
Genome position (GRCh38, 1-based): chr9:70,259,136, C>G. VCF-style: chr9-70259136-C-G. GRCh37 (hg19) VCF-style: chr9-72874052-C-G.
Other names: short protein forms L20V.
Identifiers: ClinVar variation 2443267 (VCV002443267.2), dbSNP rs1342654623, ClinGen allele CA373535708.
Genomic context (GRCh38, chr9:70,259,136, plus strand): 5'-AGGATGGCGACTCCGAGCAAGAAGACGTCAACTCCAAGCCCCCAGCCTTCCAAGAGAGCT[C>G]TCCCGAGAGACCCTTCGTCGGAGGTCCCGAGCAAGAGGAAGAATTCGGCCCCGCAGCTGC-3'
Protein context (NP_055925.2, residues 10-30): TPSPQPSKRA[Leu20Val]PRDPSSEVPS

ClinVar aggregate classification (germline): Uncertain significance (0 of 4 stars; one submission).

Allele frequency attached by ClinVar (database versions not stated): gnomAD exomes below 0.00001.
gnomAD v4.1: 4 of 1,612,882 alleles (0.00025%); highest among the groups gnomAD compares: Non-Finnish European, 0.00034%; no homozygotes.

Submission:

Genetic Services Laboratory, University of Chicago
Classification: Uncertain significance. Last evaluated: 2022-07-07. Review status: no assertion criteria provided. Collection method: clinical testing. Allele origin: germline. Affected: no.
Comment: DNA sequence analysis of the SMC5 gene demonstrated a sequence change, c.58C>G, in exon 1 that results in an amino acid change, p.Leu20Val. This sequence change does not appear to have been previously described in individuals with SMC5-related disorders and has also not been described in population databases such as ExAC and gnomAD. The p.Leu20Val change affects a moderately conserved amino acid residue located in a domain of the SMC5 protein that is not known to be functional. The p.Leu20Val substitution appears to be benign using several in-silico pathogenicity prediction tools (SIFT, PolyPhen2, Align GVGD, REVEL). Due to insufficient evidences and the lack of functional studies, the clinical significance of the p.Leu20Val change remains unknown at this time.